The following is an entry in ClinVar:

ClinVar aggregate classification (germline): Uncertain significance (1 of 4 stars; one submission).

gnomAD v4.1: 2 of 1,609,644 alleles (0.00012%); highest among the groups gnomAD compares: Non-Finnish European, 0.000085%; no homozygotes.

Submission:

Labcorp Genetics (formerly Invitae), Labcorp
Classification: Uncertain significance. Last evaluated: 2025-03-17. Review status: criteria provided, single submitter. Criteria: Invitae Variant Classification Sherloc (09022015). Collection method: clinical testing. Allele origin: germline.
Comment: This sequence change replaces glutamic acid, which is acidic and polar, with glutamine, which is neutral and polar, at codon 587 of the STAG1 protein (p.Glu587Gln). This variant is not present in population databases (gnomAD no frequency). This variant has not been reported in the literature in individuals affected with STAG1-related conditions. Invitae Evidence Modeling of protein sequence and biophysical properties (such as structural, functional, and spatial information, amino acid conservation, physicochemical variation, residue mobility, and thermodynamic stability) indicates that this missense variant is not expected to disrupt STAG1 protein function with a negative predictive value of 80%. In summary, the available evidence is currently insufficient to determine the role of this variant in disease. Therefore, it has been classified as a Variant of Uncertain Significance.

NM_005862.3(STAG1):c.1759G>C (p.Glu587Gln)

Gene: STAG1 (STAG1 cohesin complex component; minus strand). Cytogenetic location: 3q22.3.
Variant type: single nucleotide variant.
Coding change: c.1759G>C on transcript NM_005862.3 (MANE Select); coding-DNA position 1759, G replaced by C.
Protein change: p.Glu587Gln; replaces glutamic acid 587 with glutamine.
Molecular consequence: missense variant.
Genome position (GRCh38, 1-based): chr3:136,422,842, C>G on the plus strand (G>C on the coding strand, the complement: STAG1 is on the minus strand). VCF-style: chr3-136422842-C-G. GRCh37 (hg19) VCF-style: chr3-136141684-C-G.
Other names: short protein forms E587Q.
Identifiers: ClinVar variation 3669885 (VCV003669885.2).